The following is an entry in ClinVar:

ClinVar aggregate classification (germline): Uncertain significance. Review status: criteria provided, multiple submitters, no conflicts (2 of 4 stars). 2 submissions from 2 submitters: Uncertain significance (2). Last evaluated 2026-08-27.

Conditions:
Inborn genetic diseases. Identifiers: MedGen C0950123, MeSH D030342.

Submissions (2):

Ambry Genetics
Classification: Uncertain significance for Inborn genetic diseases. Last evaluated: 2026-08-27. Review status: criteria provided, single submitter. Criteria: Ambry Variant Classification Scheme 2023. Collection method: clinical testing. Allele origin: germline.

GeneDx
Classification: Uncertain significance. Last evaluated: 2025-01-15. Review status: criteria provided, single submitter. Criteria: GeneDx Variant Classification Process June 2021. Collection method: clinical testing. Allele origin: germline. Affected: yes.
Comment: Not observed at significant frequency in large population cohorts (gnomAD); In silico analysis indicates that this missense variant does not alter protein structure/function; Has not been previously published as pathogenic or benign to our knowledge

NM_014112.5(TRPS1):c.1294C>A (p.Pro432Thr)

Gene: TRPS1 (transcriptional repressor GATA binding 1; minus strand). Cytogenetic location: 8q23.3.
Variant type: single nucleotide variant.
Coding change: c.1294C>A on transcript NM_014112.5 (MANE Select); coding-DNA position 1294, C replaced by A.
Protein change: p.Pro432Thr; replaces proline 432 with threonine.
Molecular consequence: missense variant.
Genome position (GRCh38, 1-based): chr8:115,604,675, G>T on the plus strand (C>A on the coding strand, the complement: TRPS1 is on the minus strand). VCF-style: chr8-115604675-G-T. GRCh37 (hg19) VCF-style: chr8-116616902-G-T.
Other names: c.1267C>A, p.Pro423Thr (NM_001282902.3); c.1273C>A, p.Pro425Thr (NM_001282903.3); c.1255C>A, p.Pro419Thr (NM_001330599.2); short protein forms P419T, P423T, P425T, P432T.
Identifiers: ClinVar variation 4070704 (VCV004070704.2).